The following is an entry in ClinVar:

ClinVar aggregate classification (germline): Pathogenic. Review status: criteria provided, multiple submitters, no conflicts (2 of 4 stars). 5 submissions from 5 submitters: Pathogenic (5). Last evaluated 2025-09-09.

Conditions:
Hereditary cancer-predisposing syndrome. Also called: Neoplastic Syndromes, Hereditary; Tumor predisposition; Hereditary neoplastic syndrome; Hereditary Cancer Syndrome. Identifiers: Orphanet 140162, MedGen C0027672, MeSH D009386, MONDO:0015356.
Dilated cardiomyopathy 1GG (CMD1GG). Identifiers: Orphanet 154, MedGen C3150898, MONDO:0013339, OMIM 613642.
Mitochondrial complex II deficiency, nuclear type 1. Also called: SUCCINATE CoQ REDUCTASE DEFICIENCY. Identifiers: Orphanet 3208, MedGen C5700310, MONDO:0100294, OMIM 252011.
Pheochromocytoma/paraganglioma syndrome 5. Also called: Paragangliomas 5; SDHA-Related Hereditary Paraganglioma-Pheochromocytoma Syndrome. Identifiers: Orphanet 29072, MedGen C3279992, MONDO:0013602, OMIM 614165.

Submissions (5):

Ambry Genetics
Classification: Pathogenic for Hereditary cancer-predisposing syndrome. Last evaluated: 2025-09-09. Review status: criteria provided, single submitter. Criteria: Ambry Variant Classification Scheme 2023. Collection method: clinical testing. Allele origin: germline.
Comment: The c.995_996delCT pathogenic mutation, located in coding exon 8 of the SDHA gene, results from a deletion of two nucleotides at nucleotide positions 995 to 996, causing a translational frameshift with a predicted alternate stop codon (p.P332Rfs*8). This variant was reported in individual(s) with features consistent with SDHA-related hereditary pheochromocytoma-paraganglioma (Benn DE et al. J Med Genet, 2018 11;55:729-734). This variant is considered to be rare based on population cohorts in the Genome Aggregation Database (gnomAD). In addition to the clinical data presented in the literature, this alteration is expected to result in loss of function by premature protein truncation or nonsense-mediated mRNA decay. As such, this alteration is interpreted as a disease-causing mutation.

Labcorp Genetics (formerly Invitae), Labcorp
Classification: Pathogenic for Pheochromocytoma/paraganglioma syndrome 5; Mitochondrial complex II deficiency, nuclear type 1. Last evaluated: 2025-03-19. Review status: criteria provided, single submitter. Criteria: Invitae Variant Classification Sherloc (09022015). Collection method: clinical testing. Allele origin: germline.
Comment: This sequence change creates a premature translational stop signal (p.Pro332Argfs*8) in the SDHA gene. It is expected to result in an absent or disrupted protein product. Loss-of-function variants in SDHA are known to be pathogenic (PMID: 22974104, 24781757). This variant is not present in population databases (gnomAD no frequency). This premature translational stop signal has been observed in individual(s) with hereditary paraganglioma-pheochromocytoma (PGL-PCC) syndrome (PMID: 30201732). ClinVar contains an entry for this variant (Variation ID: 575469). For these reasons, this variant has been classified as Pathogenic.

Baylor Genetics
Classification: Pathogenic for Dilated cardiomyopathy 1GG. Last evaluated: 2024-01-08. Review status: criteria provided, single submitter. Criteria: ACMG Guidelines, 2015. Collection method: clinical testing. Allele origin: unknown.

GeneDx
Classification: Pathogenic. Last evaluated: 2023-07-06. Review status: criteria provided, single submitter. Criteria: GeneDx Variant Classification Process June 2021. Collection method: clinical testing. Allele origin: germline. Affected: yes.
Comment: Frameshift variant predicted to result in protein truncation or nonsense mediated decay in a gene for which loss-of-function is a known mechanism of disease; Not observed at significant frequency in large population cohorts (gnomAD); This variant is associated with the following publications: (PMID: 27535533, 30201732)

Myriad Genetics, Inc.
Classification: Pathogenic for Pheochromocytoma/paraganglioma syndrome 5. Last evaluated: 2023-01-12. Review status: criteria provided, single submitter. Criteria: Myriad Autosomal Dominant, Autosomal Recessive and X-Linked Classification Criteria (2023). Collection method: clinical testing. Allele origin: unknown.
Comment: This variant is considered pathogenic. This variant creates a frameshift predicted to result in premature protein truncation.

Literature cited by the submitters: PubMed 30201732 (cited by Ambry Genetics and Labcorp Genetics (formerly Invitae), Labcorp); PubMed 22974104 (cited by Labcorp Genetics (formerly Invitae), Labcorp); PubMed 24781757 (cited by Labcorp Genetics (formerly Invitae), Labcorp).

NM_004168.4(SDHA):c.995_996del (p.Pro332fs)

Gene: SDHA (succinate dehydrogenase complex flavoprotein subunit A; plus strand). Cytogenetic location: 5p15.33.
Variant type: Deletion.
Coding change: c.995_996del on transcript NM_004168.4 (MANE Select); coding-DNA positions 995 to 996, 2 bases deleted (CT; older notation c.995_996delCT).
Protein change: p.Pro332fs; shifts the reading frame from proline 332.
Molecular consequence: frameshift variant.
Genome position (GRCh38, 1-based): chr5:233,576-233,577, CT deleted. VCF-style (leftmost placement, unchanged base first): chr5-233575-CCT-C. GRCh37 (hg19) VCF-style: chr5-233690-CCT-C.
Other names: c.995_996delCT (NM_004168.2); c.995_996del (NM_004168.3, NM_004168.2); c.851_852del, p.Pro284fs (NM_001294332.2); c.995_996del, p.Pro332fs (NM_001330758.2); short protein forms P284fs, P332fs.
Identifiers: ClinVar variation 575469 (VCV000575469.21), dbSNP rs1560994766, ClinGen allele CA891842545.